The following is an entry in ClinVar:

NM_001267550.2(TTN):c.59360T>A (p.Ile19787Asn)

Genes: TTN (titin; minus strand), TTN-AS1 (TTN antisense RNA 1; plus strand), LOC126806424 (CDK7 strongly-dependent group 2 enhancer GRCh37_chr2:179456337-179457536; plus strand). Cytogenetic location: 2q31.2.
Variant type: single nucleotide variant.
Coding change: c.59360T>A on transcript NM_001267550.2 (MANE Select); coding-DNA position 59360, T replaced by A.
Protein change: p.Ile19787Asn; replaces isoleucine 19787 with asparagine.
Molecular consequence: missense variant.
Genome position (GRCh38, 1-based): chr2:178,592,645, A>T on the plus strand (T>A on the coding strand, the complement: TTN is on the minus strand). VCF-style: chr2-178592645-A-T. GRCh37 (hg19) VCF-style: chr2-179457372-A-T.
Other names: c.51656T>A, p.Ile17219Asn (NM_133378.4); c.54437T>A, p.Ile18146Asn (NM_001256850.1); c.32165T>A, p.Ile10722Asn (NM_003319.4); c.32540T>A, p.Ile10847Asn (NM_133432.3); c.32741T>A, p.Ile10914Asn (NM_133437.4); short protein forms I17219N, I19787N, I10722N, I10914N, I10847N, I18146N.
Identifiers: ClinVar variation 229475 (VCV000229475.5), dbSNP rs768765076, ClinGen allele CA1992675.

ClinVar aggregate classification (germline): Uncertain significance (1 of 4 stars; one submission).

Allele frequency attached by ClinVar (database versions not stated): gnomAD exomes 0.00001; ExAC 0.00002.
gnomAD v4.1: 4 of 1,613,160 alleles (0.00025%); highest among the groups gnomAD compares: Admixed American, 0.0067%; no homozygotes.

Submission:

Laboratory for Molecular Medicine, Mass General Brigham Personalized Medicine
Classification: Uncertain significance. Last evaluated: 2015-04-02. Review status: criteria provided, single submitter. Criteria: LMM Criteria. Collection method: clinical testing. Allele origin: germline. Observed: 1 variant allele.
Comment: The p.Ile17219Asn variant in TTN has not been previously reported in individuals with cardiomyopathy, but has been identified in 2/11462 Latino chromosomes by t he Exome Aggregation Consortium (ExAC). Computat ional prediction tools and conservation analysis suggest that the variant may im pact the protein, though this information is not predictive enough to determine pathogenicity. In summary, the clinical significance of the p.Ile17219Asn varian t is uncertain.